The following is an entry in ClinVar:

NM_000038.6(APC):c.6757C>T (p.Leu2253Phe)

Gene: APC (APC regulator of Wnt signaling pathway; plus strand). Cytogenetic location: 5q22.2.
Variant type: single nucleotide variant.
Coding change: c.6757C>T on transcript NM_000038.6 (MANE Select); coding-DNA position 6757, C replaced by T.
Protein change: p.Leu2253Phe; replaces leucine 2253 with phenylalanine.
Molecular consequence: missense variant.
Genome position (GRCh38, 1-based): chr5:112,842,351, C>T. VCF-style: chr5-112842351-C-T. GRCh37 (hg19) VCF-style: chr5-112178048-C-T.
Other names: c.6757C>T, p.Leu2253Phe (NM_001127510.3, NM_001354895.2); c.6703C>T, p.Leu2235Phe (NM_001127511.3); c.6811C>T, p.Leu2271Phe (NM_001354896.2); c.6787C>T, p.Leu2263Phe (NM_001354897.2); c.6682C>T, p.Leu2228Phe (NM_001354898.2); c.6673C>T, p.Leu2225Phe (NM_001354899.2); c.6634C>T, p.Leu2212Phe (NM_001354900.2); c.6580C>T, p.Leu2194Phe (NM_001354901.2); and 5 more; short protein forms L2235F, L2253F, L2093F, L2152F, L2263F, L2127F, L2162F, L2212F.
Identifiers: ClinVar variation 630789 (VCV000630789.21), dbSNP rs786203252, ClinGen allele CA16036093.

ClinVar aggregate classification (germline): Uncertain significance. Review status: criteria provided, multiple submitters, no conflicts (2 of 4 stars). 5 submissions from 5 submitters: Uncertain significance (5). Last evaluated 2026-01-31.

Conditions:
Hereditary cancer-predisposing syndrome. Also called: Tumor predisposition; Neoplastic Syndromes, Hereditary; Hereditary neoplastic syndrome; Hereditary Cancer Syndrome. Identifiers: Orphanet 140162, MedGen C0027672, MeSH D009386, MONDO:0015356.
Classic or attenuated familial adenomatous polyposis. Identifiers: MedGen CN372698, MONDO:0021057.
Familial adenomatous polyposis 1 (FAP1). Also called: POLYPOSIS, ADENOMATOUS INTESTINAL; FAMILIAL ADENOMATOUS POLYPOSIS 1, ATTENUATED. Identifiers: MedGen C2713442, MONDO:0021056, OMIM 175100. Disease mechanism: loss of function.

Allele frequency attached by ClinVar (database versions not stated): TOPMed below 0.00001; gnomAD 0.00001.
gnomAD v4.1: 1 of 1,613,920 alleles (0.000062%); highest among the groups gnomAD compares: Non-Finnish European, 0.000085%; no homozygotes.

Submissions (5):

Labcorp Genetics (formerly Invitae), Labcorp
Classification: Uncertain significance for Familial adenomatous polyposis 1. Last evaluated: 2026-01-31. Review status: criteria provided, single submitter. Criteria: Invitae Variant Classification Sherloc (09022015). Collection method: clinical testing. Allele origin: germline.
Comment: This sequence change replaces leucine, which is neutral and non-polar, with phenylalanine, which is neutral and non-polar, at codon 2253 of the APC protein (p.Leu2253Phe). This variant is not present in population databases (gnomAD no frequency). This variant has not been reported in the literature in individuals affected with APC-related conditions. ClinVar contains an entry for this variant (Variation ID: 630789). Invitae Evidence Modeling of protein sequence and biophysical properties (such as structural, functional, and spatial information, amino acid conservation, physicochemical variation, residue mobility, and thermodynamic stability) indicates that this missense variant is not expected to disrupt APC protein function with a negative predictive value of 95%. In summary, the available evidence is currently insufficient to determine the role of this variant in disease. Therefore, it has been classified as a Variant of Uncertain Significance.

GeneDx
Classification: Uncertain significance. Last evaluated: 2024-06-10. Review status: criteria provided, single submitter. Criteria: GeneDx Variant Classification Process June 2021. Collection method: clinical testing. Allele origin: germline. Affected: yes.
Comment: Not observed at significant frequency in large population cohorts (gnomAD); In silico analysis indicates that this missense variant does not alter protein structure/function; Has not been previously published as pathogenic or benign to our knowledge; This variant is associated with the following publications: (PMID: 18199528)

Color Diagnostics, LLC DBA Color Health
Classification: Uncertain significance for Hereditary cancer-predisposing syndrome. Last evaluated: 2024-03-06. Review status: criteria provided, single submitter. Criteria: ACMG Guidelines, 2015. Collection method: clinical testing. Allele origin: germline.
Comment: This missense variant replaces leucine with phenylalanine at codon 2253 of the APC protein. Computational prediction suggests that this variant may not impact protein structure and function (internally defined REVEL score threshold <= 0.5, PMID: 27666373). To our knowledge, functional studies have not been reported for this variant. This variant has not been reported in individuals affected with APC-related disorders in the literature. This variant has not been identified in the general population by the Genome Aggregation Database (gnomAD). The available evidence is insufficient to determine the role of this variant in disease conclusively. Therefore, this variant is classified as a Variant of Uncertain Significance.

All of Us Research Program, National Institutes of Health
Classification: Uncertain significance for Classic or attenuated familial adenomatous polyposis. Last evaluated: 2024-02-22. Review status: criteria provided, single submitter. Criteria: ACMG Guidelines, 2015. Collection method: clinical testing. Allele origin: germline. Inheritance: Autosomal dominant inheritance. Observed: 2 variant alleles, 2 heterozygotes.
Comment: This missense variant replaces leucine with phenylalanine at codon 2253 of the APC protein. Computational prediction suggests that this variant may not impact protein structure and function (internally defined REVEL score threshold <= 0.5, PMID: 27666373). To our knowledge, functional studies have not been reported for this variant. This variant has not been reported in individuals affected with APC-related disorders in the literature. This variant has not been identified in the general population by the Genome Aggregation Database (gnomAD). The available evidence is insufficient to determine the role of this variant in disease conclusively. Therefore, this variant is classified as a Variant of Uncertain Significance.

This study involves interpretation of variants in research participants for the purpose of population health screening. Participant phenotype was not available at the time of variant classification. Additional details can be found in publication PMID: 35346344, PMCID: PMC8962531

Ambry Genetics
Classification: Uncertain significance for Hereditary cancer-predisposing syndrome. Last evaluated: 2022-08-29. Review status: criteria provided, single submitter. Criteria: Ambry Variant Classification Scheme 2023. Collection method: clinical testing. Allele origin: germline.
Comment: The p.L2253F variant (also known as c.6757C>T), located in coding exon 15 of the APC gene, results from a C to T substitution at nucleotide position 6757. The leucine at codon 2253 is replaced by phenylalanine, an amino acid with highly similar properties. This amino acid position is conserved. In addition, in silico predictors for this gene do not accurately predict pathogenicity. Since supporting evidence is limited at this time, the clinical significance of this alteration remains unclear.